The following is an entry in ClinVar:

ClinVar aggregate classification (germline): Uncertain significance (1 of 4 stars; one submission).

Conditions:
Hereditary breast ovarian cancer syndrome. Also called: Hereditary breast and ovarian cancer syndrome; Hereditary breast and ovarian cancer syndrome (HBOC); Hereditary breast and/or ovarian cancer syndrome; Hereditary breast and ovarian cancer; Breast and ovarian cancer; BRCA1- and BRCA2-Associated Hereditary Breast and Ovarian Cancer. Identifiers: Orphanet 145, MedGen C0677776, MeSH D061325, MONDO:0003582. Disease mechanism: loss of function.

Submission:

Labcorp Genetics (formerly Invitae), Labcorp
Classification: Uncertain significance for Hereditary breast ovarian cancer syndrome. Last evaluated: 2024-01-28. Review status: criteria provided, single submitter. Criteria: Invitae Variant Classification Sherloc (09022015). Collection method: clinical testing. Allele origin: germline.
Comment: This sequence change replaces histidine, which is basic and polar, with proline, which is neutral and non-polar, at codon 2038 of the BRCA2 protein (p.His2038Pro). This variant is not present in population databases (gnomAD no frequency). This variant has not been reported in the literature in individuals affected with BRCA2-related conditions. Advanced modeling of protein sequence and biophysical properties (such as structural, functional, and spatial information, amino acid conservation, physicochemical variation, residue mobility, and thermodynamic stability) performed at Invitae indicates that this missense variant is not expected to disrupt BRCA2 protein function with a negative predictive value of 95%. In summary, the available evidence is currently insufficient to determine the role of this variant in disease. Therefore, it has been classified as a Variant of Uncertain Significance.

NM_000059.4(BRCA2):c.6113A>C (p.His2038Pro)

Gene: BRCA2 (BRCA2 DNA repair associated; plus strand). Cytogenetic location: 13q13.1.
Variant type: single nucleotide variant.
Coding change: c.6113A>C on transcript NM_000059.4 (MANE Select); coding-DNA position 6113, A replaced by C.
Protein change: p.His2038Pro; replaces histidine 2038 with proline.
Molecular consequence: missense variant. On other transcripts: non-coding transcript variant (1), intron variant (2).
Genome position (GRCh38, 1-based): chr13:32,340,468, A>C. VCF-style: chr13-32340468-A-C. GRCh37 (hg19) VCF-style: chr13-32914605-A-C.
Other names: c.6113A>C, p.His2038Pro (NM_001406719.1, NM_001406720.1); c.1910-4090A>C (NM_001406721.1); c.425-4090A>C (NM_001406722.1); short protein forms H2038P.
Identifiers: ClinVar variation 2713307 (VCV002713307.3), dbSNP rs786203039, ClinGen allele CA387788135.